The following is an entry in ClinVar:

NM_139076.3(ABRAXAS1):c.10G>C (p.Glu4Gln)

Genes: ABRAXAS1 (abraxas 1, BRCA1 A complex subunit; minus strand), LOC129992784 (ATAC-STARR-seq lymphoblastoid silent region 15542; plus strand). Cytogenetic location: 4q21.23.
Variant type: single nucleotide variant.
Coding change: c.10G>C on transcript NM_139076.3 (MANE Select); coding-DNA position 10, G replaced by C.
Protein change: p.Glu4Gln; replaces glutamic acid 4 with glutamine.
Molecular consequence: missense variant. On other transcripts: 5 prime UTR variant (1).
Genome position (GRCh38, 1-based): chr4:83,485,063, C>G on the plus strand (G>C on the coding strand, the complement: ABRAXAS1 is on the minus strand). VCF-style: chr4-83485063-C-G. GRCh37 (hg19) VCF-style: chr4-84406216-C-G.
Other names: c.-251G>C (NM_001345962.2); short protein forms E4Q.
Identifiers: ClinVar variation 1047767 (VCV001047767.9), dbSNP rs549027065, ClinGen allele CA357264119.

ClinVar aggregate classification (germline): Uncertain significance (1 of 4 stars; one submission).

Allele frequency attached by ClinVar (database versions not stated): TOPMed 0.00001.

Submission:

Labcorp Genetics (formerly Invitae), Labcorp
Classification: Uncertain significance. Last evaluated: 2017-12-15. Review status: criteria provided, single submitter. Criteria: Invitae Variant Classification Sherloc (09022015). Collection method: clinical testing. Allele origin: germline.
Comment: This sequence change replaces glutamic acid with glutamine at codon 4 of the FAM175A protein (p.Glu4Gln). The glutamic acid residue is moderately conserved and there is a small physicochemical difference between glutamic acid and glutamine. In summary, the available evidence is currently insufficient to determine the role of this variant in disease. Therefore, it has been classified as a Variant of Uncertain Significance. Algorithms developed to predict the effect of missense changes on protein structure and function do not agree on the potential impact of this missense change (SIFT: "Tolerated"; PolyPhen-2: "Probably Damaging"; Align-GVGD: "Class C0"). This variant has not been reported in the literature in individuals with FAM175A-related disease. This variant is not present in population databases (ExAC no frequency).